The following is an entry in ClinVar:

NM_001035.3(RYR2):c.4829G>C (p.Arg1610Pro)

Gene: RYR2 (ryanodine receptor 2; plus strand). Cytogenetic location: 1q43.
Variant type: single nucleotide variant.
Coding change: c.4829G>C on transcript NM_001035.3 (MANE Select); coding-DNA position 4829, G replaced by C.
Protein change: p.Arg1610Pro; replaces arginine 1610 with proline.
Molecular consequence: missense variant.
Genome position (GRCh38, 1-based): chr1:237,610,907, G>C. VCF-style: chr1-237610907-G-C. GRCh37 (hg19) VCF-style: chr1-237774207-G-C.
Other names: short protein forms R1610P.
Identifiers: ClinVar variation 2574326 (VCV002574326.2), dbSNP rs764687833, ClinGen allele CA345402716.

ClinVar aggregate classification (germline): Uncertain significance (1 of 4 stars; one submission).

Submission:

GeneDx
Classification: Uncertain significance. Last evaluated: 2025-05-09. Review status: criteria provided, single submitter. Criteria: GeneDx Variant Classification Process June 2021. Collection method: clinical testing. Allele origin: germline. Affected: yes.
Comment: Not observed at significant frequency in large population cohorts (gnomAD); In silico analysis supports that this missense variant has a deleterious effect on protein structure/function; Has not been previously published as pathogenic or benign to our knowledge; Not located in one of the three hot-spot regions of the RYR2 gene, where the majority of pathogenic missense variants occur (PMID: 19926015)